The following is an entry in ClinVar:

ClinVar aggregate classification (germline): Likely benign (1 of 4 stars; one submission).

Submission:

CeGaT Center for Human Genetics Tuebingen
Classification: Likely benign. Last evaluated: 2025-05-01. Review status: criteria provided, single submitter. Criteria: CeGaT Center For Human Genetics Tuebingen Variant Classification Criteria Version 2. Collection method: clinical testing. Allele origin: germline. Affected: yes. Observed: 1 variant allele.
Comment: TET3: BP4, BS2

NM_001287491.2(TET3):c.5327C>T (p.Ala1776Val)

Gene: TET3 (tet methylcytosine dioxygenase 3; plus strand). Cytogenetic location: 2p13.1.
Variant type: single nucleotide variant.
Coding change: c.5327C>T on transcript NM_001287491.2 (MANE Select); coding-DNA position 5327, C replaced by T.
Protein change: p.Ala1776Val; replaces alanine 1776 with valine.
Molecular consequence: missense variant.
Genome position (GRCh38, 1-based): chr2:74,102,115, C>T. VCF-style: chr2-74102115-C-T. GRCh37 (hg19) VCF-style: chr2-74329242-C-T.
Other names: c.5048C>T, p.Ala1683Val (NM_001366022.1); short protein forms A1683V, A1776V.
Identifiers: ClinVar variation 3905347 (VCV003905347.10).